The following is an entry in ClinVar:

NM_020822.3(KCNT1):c.2248G>A (p.Val750Met)

Gene: KCNT1 (potassium sodium-activated channel subfamily T member 1; plus strand). Cytogenetic location: 9q34.3.
Variant type: single nucleotide variant.
Coding change: c.2248G>A on transcript NM_020822.3 (MANE Select); coding-DNA position 2248, G replaced by A.
Protein change: p.Val750Met; replaces valine 750 with methionine.
Molecular consequence: missense variant.
Genome position (GRCh38, 1-based): chr9:135,775,314, G>A. VCF-style: chr9-135775314-G-A. GRCh37 (hg19) VCF-style: chr9-138667160-G-A.
Other names: c.2113G>A, p.Val705Met (NM_001272003.2); short protein forms V750M, V705M.
Identifiers: ClinVar variation 1435994 (VCV001435994.8), dbSNP rs2131534801, ClinGen allele CA375512108.

ClinVar aggregate classification (germline): Uncertain significance (1 of 4 stars; one submission).

Conditions:
Developmental and epileptic encephalopathy, 14 (DEE14). Also called: Early infantile epileptic encephalopathy 14. Identifiers: Orphanet 293181, MedGen C3554195, MONDO:0013989, OMIM 614959.
Autosomal dominant nocturnal frontal lobe epilepsy 5. Also called: KCNT1-Related Epilepsy; CILIARY DYSKINESIA, PRIMARY, 28, WITH SITUS INVERSUS; Epilepsy, nocturnal frontal lobe, 5; CILIARY DYSKINESIA, PRIMARY, 28, WITHOUT SITUS INVERSUS. Identifiers: Orphanet 98784, MedGen C3554306, MONDO:0014002, OMIM 615005.

Submission:

Labcorp Genetics (formerly Invitae), Labcorp
Classification: Uncertain significance for Autosomal dominant nocturnal frontal lobe epilepsy 5; Developmental and epileptic encephalopathy, 14. Last evaluated: 2024-12-28. Review status: criteria provided, single submitter. Criteria: Invitae Variant Classification Sherloc (09022015). Collection method: clinical testing. Allele origin: germline.
Comment: This sequence change replaces valine, which is neutral and non-polar, with methionine, which is neutral and non-polar, at codon 750 of the KCNT1 protein (p.Val750Met). This variant is not present in population databases (gnomAD no frequency). This variant has not been reported in the literature in individuals affected with KCNT1-related conditions. ClinVar contains an entry for this variant (Variation ID: 1435994). Invitae Evidence Modeling of protein sequence and biophysical properties (such as structural, functional, and spatial information, amino acid conservation, physicochemical variation, residue mobility, and thermodynamic stability) indicates that this missense variant is not expected to disrupt KCNT1 protein function with a negative predictive value of 80%. In summary, the available evidence is currently insufficient to determine the role of this variant in disease. Therefore, it has been classified as a Variant of Uncertain Significance.